The following is an entry in ClinVar:

NM_007175.8(ERLIN2):c.632G>A (p.Arg211Gln)

Gene: ERLIN2 (ER lipid raft associated 2; plus strand). Cytogenetic location: 8p11.23.
Variant type: single nucleotide variant.
Coding change: c.632G>A on transcript NM_007175.8 (MANE Select); coding-DNA position 632, G replaced by A.
Protein change: p.Arg211Gln; replaces arginine 211 with glutamine.
Molecular consequence: missense variant.
Genome position (GRCh38, 1-based): chr8:37,750,469, G>A. VCF-style: chr8-37750469-G-A. GRCh37 (hg19) VCF-style: chr8-37607987-G-A.
Other names: c.632G>A, p.Arg211Gln (NM_001362878.2); short protein forms R211Q.
Identifiers: ClinVar variation 3276382 (VCV003276382.5).

ClinVar aggregate classification (germline): Uncertain significance. Review status: criteria provided, multiple submitters, no conflicts (2 of 4 stars). 3 submissions from 3 submitters: Uncertain significance (3). Last evaluated 2026-04-01.

Conditions:
Spastic paraplegia. Identifiers: MedGen C0037772, HP:0001258.
Inborn genetic diseases. Identifiers: MedGen C0950123, MeSH D030342.

Submissions (3):

CeGaT Center for Human Genetics Tuebingen
Classification: Uncertain significance. Last evaluated: 2026-04-01. Review status: criteria provided, single submitter. Criteria: CeGaT Center For Human Genetics Tuebingen Variant Classification Criteria Version 2. Collection method: clinical testing. Allele origin: germline. Affected: yes. Observed: 1 variant allele.
Comment: ERLIN2: PM2

Labcorp Genetics (formerly Invitae), Labcorp
Classification: Uncertain significance for Spastic paraplegia. Last evaluated: 2025-06-12. Review status: criteria provided, single submitter. Criteria: Invitae Variant Classification Sherloc (09022015). Collection method: clinical testing. Allele origin: germline.
Comment: This sequence change replaces arginine, which is basic and polar, with glutamine, which is neutral and polar, at codon 211 of the ERLIN2 protein (p.Arg211Gln). The frequency data for this variant in the population databases is considered unreliable, as metrics indicate poor data quality at this position in the gnomAD database. This variant has not been reported in the literature in individuals affected with ERLIN2-related conditions. ClinVar contains an entry for this variant (Variation ID: 3276382). Invitae Evidence Modeling of protein sequence and biophysical properties (such as structural, functional, and spatial information, amino acid conservation, physicochemical variation, residue mobility, and thermodynamic stability) indicates that this missense variant is expected to disrupt ERLIN2 protein function with a positive predictive value of 80%. In summary, the available evidence is currently insufficient to determine the role of this variant in disease. Therefore, it has been classified as a Variant of Uncertain Significance.

Ambry Genetics
Classification: Uncertain significance for Inborn genetic diseases. Last evaluated: 2024-06-17. Review status: criteria provided, single submitter. Criteria: Ambry Variant Classification Scheme 2023. Collection method: clinical testing. Allele origin: germline.